The following is an entry in ClinVar:

ClinVar aggregate classification (germline): Uncertain significance (1 of 4 stars; one submission).

Conditions:
Neuropathy, hereditary sensory, type 2C. Also called: KIF1A-Related HSAN2 (HSAN2C); Hereditary sensory and autonomic neuropathy type IIC. Identifiers: Orphanet 970, MedGen C3280168, MONDO:0013634, OMIM 614213.
Hereditary spastic paraplegia 30. Identifiers: Orphanet 101010, MedGen C5235139, MONDO:0012476.
Intellectual disability, autosomal dominant 9 (NESCAVS). Also called: KIF1A-Related Neurodevelopmental Disorder; NESCAV SYNDROME. Identifiers: Orphanet 662367, MedGen C5393830, MONDO:0013656, OMIM 614255.

Submission:

Labcorp Genetics (formerly Invitae), Labcorp
Classification: Uncertain significance for Hereditary spastic paraplegia 30; Neuropathy, hereditary sensory, type 2C; Intellectual disability, autosomal dominant 9. Last evaluated: 2024-04-17. Review status: criteria provided, single submitter. Criteria: Invitae Variant Classification Sherloc (09022015). Collection method: clinical testing. Allele origin: germline.
Comment: This sequence change replaces arginine, which is basic and polar, with glycine, which is neutral and non-polar, at codon 1105 of the KIF1A protein (p.Arg1105Gly). This variant is not present in population databases (gnomAD no frequency). This variant has not been reported in the literature in individuals affected with KIF1A-related conditions. Advanced modeling of protein sequence and biophysical properties (such as structural, functional, and spatial information, amino acid conservation, physicochemical variation, residue mobility, and thermodynamic stability) performed at Invitae indicates that this missense variant is not expected to disrupt KIF1A protein function with a negative predictive value of 95%. In summary, the available evidence is currently insufficient to determine the role of this variant in disease. Therefore, it has been classified as a Variant of Uncertain Significance.

NM_001244008.2(KIF1A):c.3616C>G (p.Arg1206Gly)

Gene: KIF1A (kinesin family member 1A; minus strand). Cytogenetic location: 2q37.3.
Variant type: single nucleotide variant.
Coding change: c.3616C>G on transcript NM_001244008.2 (MANE Select); coding-DNA position 3616, C replaced by G.
Protein change: p.Arg1206Gly; replaces arginine 1206 with glycine.
Molecular consequence: missense variant.
Genome position (GRCh38, 1-based): chr2:240,742,953, G>C on the plus strand (C>G on the coding strand, the complement: KIF1A is on the minus strand). VCF-style: chr2-240742953-G-C. GRCh37 (hg19) VCF-style: chr2-241682370-G-C.
Other names: c.3340C>G, p.Arg1114Gly (NM_001320705.2, NM_001330289.2, NM_001379638.1); c.3415C>G, p.Arg1139Gly (NM_001330290.2, NM_001379634.1, NM_001379635.1 and 1 more transcripts); c.3691C>G, p.Arg1231Gly (NM_001379631.1); c.3565C>G, p.Arg1189Gly (NM_001379632.1); c.3589C>G, p.Arg1197Gly (NM_001379633.1, NM_001379642.1, NM_001379645.1); c.3313C>G, p.Arg1105Gly (NM_001379636.1, NM_001379639.1, NM_001379641.1 and 5 more transcripts); c.3388C>G, p.Arg1130Gly (NM_001379637.1, NM_001379648.1); c.3310C>G, p.Arg1104Gly (NM_001379640.1); short protein forms R1104G, R1105G, R1114G, R1130G, R1139G, R1189G, R1197G, R1206G.
Identifiers: ClinVar variation 3753697 (VCV003753697.2).
Genomic context (GRCh38, chr2:240,742,953, plus strand): 5'-TCACTGCCCTGAGACGGCTCCAGAGACCCTTCCTACCTGGCTTGGACAGTGGCATGACCC[G>C]AGGGAAGTGGCGGCGCGAGGGCCTCAGGGGGCTGTGGAGAAAGGACCAGTGTGAGGTGTT-3'
Protein context (NP_001230937.1, residues 1196-1216): PLRPSRRHFP[Arg1206Gly]VMPLSKPVPA